The following is an entry in ClinVar:

ClinVar aggregate classification (germline): Uncertain significance (1 of 4 stars; one submission).

Conditions:
Immunodeficiency 35 (IMD35). Also called: TYK2 DEFICIENCY; Susceptibility to infection due to TYK2 deficiency; HIES WITH ATYPICAL MYCOBACTERIOSIS, AUTOSOMAL RECESSIVE; HYPER-IgE SYNDROME WITH ATYPICAL MYCOBACTERIOSIS, AUTOSOMAL RECESSIVE. Identifiers: Orphanet 331226, MedGen C1969086, MONDO:0012682, OMIM 611521.

Allele frequency attached by ClinVar (database versions not stated): gnomAD exomes below 0.00001.
gnomAD v4.1: 1 of 1,605,310 alleles (0.000062%); highest among the groups gnomAD compares: South Asian, 0.0011%; no homozygotes.

Submission:

Labcorp Genetics (formerly Invitae), Labcorp
Classification: Uncertain significance for Immunodeficiency 35. Last evaluated: 2021-12-07. Review status: criteria provided, single submitter. Criteria: Invitae Variant Classification Sherloc (09022015). Collection method: clinical testing. Allele origin: germline.
Comment: This sequence change falls in intron 22 of the TYK2 gene. It does not directly change the encoded amino acid sequence of the TYK2 protein. It affects a nucleotide within the consensus splice site. This variant is not present in population databases (gnomAD no frequency). This variant has not been reported in the literature in individuals affected with TYK2-related conditions. Variants that disrupt the consensus splice site are a relatively common cause of aberrant splicing (PMID: 17576681, 9536098). Algorithms developed to predict the effect of sequence changes on RNA splicing suggest that this variant may disrupt the consensus splice site. In summary, the available evidence is currently insufficient to determine the role of this variant in disease. Therefore, it has been classified as a Variant of Uncertain Significance.

Literature cited by the submitters: PubMed 17576681; PubMed 9536098.

NM_003331.5(TYK2):c.3200+5C>T

Gene: TYK2 (tyrosine kinase 2; minus strand). Cytogenetic location: 19p13.2.
Variant type: single nucleotide variant.
Coding change: c.3200+5C>T on transcript NM_003331.5 (MANE Select); 5 bases into the intron after coding-DNA position 3200, C replaced by T.
Molecular consequence: intron variant.
Genome position (GRCh38, 1-based): chr19:10,352,921, G>A on the plus strand (C>T on the coding strand, the complement: TYK2 is on the minus strand). VCF-style: chr19-10352921-G-A. GRCh37 (hg19) VCF-style: chr19-10463597-G-A.
Other names: c.3281+5C>T (NM_001385203.1); c.3410+5C>T (NM_001385204.1); c.3014+5C>T (NM_001385199.1); c.3110+5C>T (NM_001385205.1); c.3002+5C>T (NM_001385201.1); c.3074+5C>T (NM_001385206.1); c.3182+5C>T (NM_001385207.1); c.3116+5C>T (NM_001385202.1); and 3 more.
Identifiers: ClinVar variation 1382139 (VCV001382139.6), dbSNP rs2040885783, ClinGen allele CA2322387640.